The following is an entry in ClinVar:

NM_002907.4(RECQL):c.957A>G (p.Ile319Met)

Gene: RECQL (RecQ like helicase; minus strand). Cytogenetic location: 12p12.1.
Variant type: single nucleotide variant.
Coding change: c.957A>G on transcript NM_002907.4 (MANE Select); coding-DNA position 957, A replaced by G.
Protein change: p.Ile319Met; replaces isoleucine 319 with methionine.
Molecular consequence: missense variant.
Genome position (GRCh38, 1-based): chr12:21,475,817, T>C on the plus strand (A>G on the coding strand, the complement: RECQL is on the minus strand). VCF-style: chr12-21475817-T-C. GRCh37 (hg19) VCF-style: chr12-21628751-T-C.
Other names: c.957A>G, p.Ile319Met (NM_032941.3); short protein forms I319M.
Identifiers: ClinVar variation 1767432 (VCV001767432.4), dbSNP rs2540347620, ClinGen allele CA384122451.

ClinVar aggregate classification (germline): Uncertain significance (1 of 4 stars; one submission).

Submission:

Ambry Genetics
Classification: Uncertain significance. Last evaluated: 2025-10-02. Review status: criteria provided, single submitter. Criteria: Ambry Variant Classification Scheme 2023. Collection method: clinical testing. Allele origin: germline.
Comment: The p.I319M variant (also known as c.957A>G), located in coding exon 8 of the RECQL gene, results from an A to G substitution at nucleotide position 957. The isoleucine at codon 319 is replaced by methionine, an amino acid with highly similar properties. This amino acid position is well conserved in available vertebrate species. In addition, the in silico prediction for this alteration is inconclusive. Since supporting evidence is limited at this time, the clinical significance of this alteration remains unclear.